The following is an entry in ClinVar:

NM_152393.4(KLHL40):c.1607+9G>A

Gene: KLHL40 (kelch like family member 40; plus strand). Cytogenetic location: 3p22.1.
Variant type: single nucleotide variant.
Coding change: c.1607+9G>A on transcript NM_152393.4 (MANE Select); 9 bases into the intron after coding-DNA position 1607, G replaced by A.
Molecular consequence: intron variant.
Genome position (GRCh38, 1-based): chr3:42,689,063, G>A. VCF-style: chr3-42689063-G-A. GRCh37 (hg19) VCF-style: chr3-42730555-G-A.
Identifiers: ClinVar variation 511955 (VCV000511955.8), dbSNP rs757477975, ClinGen allele CA2337015.
Genomic context (GRCh38, chr3:42,689,063, plus strand): 5'-CCGACACAGGGCTGACCAGTTCTGCCGAAGTGTACAGCATCACAGACAACAAGTATGAAA[G>A]CTTGTCCCTTCCGCCAAGGACAACTGCATGGCTTTGGGCTTCTGTCAGCCCCAGCAGGAG-3'

ClinVar aggregate classification (germline): Likely benign. Review status: criteria provided, multiple submitters, no conflicts (2 of 4 stars). 2 submissions from 2 submitters: Likely benign (2). Last evaluated 2022-07-19.

Conditions:
Nemaline myopathy 8 (NEM8). Also called: Nemaline myopathy 8, autosomal recessive. Identifiers: Orphanet 171430, MedGen C3809209, MONDO:0014138, OMIM 615348.

Allele frequency attached by ClinVar (database versions not stated): gnomAD below 0.00001 and 0.00001; gnomAD exomes 0.00001; ExAC 0.00002.

Submissions (2):

Labcorp Genetics (formerly Invitae), Labcorp
Classification: Likely benign for Nemaline myopathy 8. Last evaluated: 2022-07-19. Review status: criteria provided, single submitter. Criteria: Invitae Variant Classification Sherloc (09022015). Collection method: clinical testing. Allele origin: germline.

GeneDx
Classification: Likely benign. Last evaluated: 2017-09-08. Review status: criteria provided, single submitter. Criteria: GeneDx Variant Classification (06012015). Collection method: clinical testing. Allele origin: germline. Affected: yes.
Comment: This variant is considered likely benign or benign based on one or more of the following criteria: it is a conservative change, it occurs at a poorly conserved position in the protein, it is predicted to be benign by multiple in silico algorithms, and/or has population frequency not consistent with disease.